The following is an entry in ClinVar:

ClinVar aggregate classification (germline): not provided (0 of 4 stars; one submission).

Conditions:
Developmental and epileptic encephalopathy, 7 (DEE7). Also called: KCNQ2-Related Neonatal Epileptic Encephalopathy; Early infantile epileptic encephalopathy 7; KCNQ2-Related Neonatal-Onset Developmental and Epileptic Encephalopathy (NEO-DEE). Identifiers: Orphanet 439218, MedGen C3150986, MONDO:0013387, OMIM 613720.

Submission:

GeneReviews
No classification provided. Condition: Developmental and epileptic encephalopathy, 7. Review status: no classification provided. Collection method: literature only. Allele origin: germline. Affected: yes.
Comment: EE (epileptic encephalopathy)

Literature cited by the submitters: PubMed 25959266; NCBI Bookshelf NBK32534.

NM_172107.4(KCNQ2):c.1066C>G (p.Leu356Val)

Gene: KCNQ2 (potassium voltage-gated channel subfamily Q member 2; minus strand). Cytogenetic location: 20q13.33.
Variant type: single nucleotide variant.
Coding change: c.1066C>G on transcript NM_172107.4 (MANE Select); coding-DNA position 1066, C replaced by G.
Protein change: p.Leu356Val; replaces leucine 356 with valine.
Molecular consequence: missense variant.
Genome position (GRCh38, 1-based): chr20:63,433,861, G>C on the plus strand (C>G on the coding strand, the complement: KCNQ2 is on the minus strand). VCF-style: chr20-63433861-G-C. GRCh37 (hg19) VCF-style: chr20-62065214-G-C.
Other names: c.1066C>G, p.Leu356Val (NM_004518.6, NM_172106.3, NM_172108.5 and 1 more transcripts); short protein forms L356V.
Identifiers: ClinVar variation 369782 (VCV000369782.2), dbSNP rs1057516109, ClinGen allele CA10654797.